The following is an entry in ClinVar:

ClinVar aggregate classification (germline): Uncertain significance (1 of 4 stars; one submission).

Conditions:
Cardiovascular phenotype. Identifiers: MedGen CN230736.

Allele frequency attached by ClinVar (database versions not stated): TOPMed 0.00002.

Submission:

Ambry Genetics
Classification: Uncertain significance for Cardiovascular phenotype. Last evaluated: 2021-11-14. Review status: criteria provided, single submitter. Criteria: Ambry Variant Classification Scheme 2023. Collection method: clinical testing. Allele origin: germline.
Comment: The p.T40A variant (also known as c.118A>G), located in coding exon 2 of the APOC3 gene, results from an A to G substitution at nucleotide position 118. The threonine at codon 40 is replaced by alanine, an amino acid with similar properties. This amino acid position is conserved. In addition, this alteration is predicted to be tolerated by in silico analysis. Since supporting evidence is limited at this time, the clinical significance of this alteration remains unclear.

NM_000040.3(APOC3):c.118A>G (p.Thr40Ala)

Gene: APOC3 (apolipoprotein C3; plus strand). Cytogenetic location: 11q23.3.
Variant type: single nucleotide variant.
Coding change: c.118A>G on transcript NM_000040.3 (MANE Select); coding-DNA position 118, A replaced by G.
Protein change: p.Thr40Ala; replaces threonine 40 with alanine.
Molecular consequence: missense variant.
Genome position (GRCh38, 1-based): chr11:116,830,835, A>G. VCF-style: chr11-116830835-A-G. GRCh37 (hg19) VCF-style: chr11-116701551-A-G.
Other names: short protein forms T40A.
Identifiers: ClinVar variation 1744431 (VCV001744431.2), dbSNP rs942960138, ClinGen allele CA229318572.